The following is an entry in ClinVar:

ClinVar aggregate classification (germline): Uncertain significance. Review status: criteria provided, multiple submitters, no conflicts (2 of 4 stars). 2 submissions from 2 submitters: Uncertain significance (2). Last evaluated 2023-12-13.

Conditions:
Landau-Kleffner syndrome (FESD). Also called: EPILEPSY, FOCAL, WITH SPEECH DISORDER AND WITH OR WITHOUT MENTAL RETARDATION; APHASIA, ACQUIRED, WITH EPILEPSY. Identifiers: Orphanet 1945, Orphanet 725, Orphanet 98818, MedGen C0282512, MONDO:0009509, OMIM 245570.

Submissions (2):

GeneDx
Classification: Uncertain significance. Last evaluated: 2023-12-13. Review status: criteria provided, single submitter. Criteria: GeneDx Variant Classification Process June 2021. Collection method: clinical testing. Allele origin: germline. Affected: yes.
Comment: Not observed at significant frequency in large population cohorts (gnomAD); In silico analysis supports that this missense variant does not alter protein structure/function; Has not been previously published as pathogenic or benign to our knowledge

Labcorp Genetics (formerly Invitae), Labcorp
Classification: Uncertain significance for Landau-Kleffner syndrome. Last evaluated: 2022-07-19. Review status: criteria provided, single submitter. Criteria: Invitae Variant Classification Sherloc (09022015). Collection method: clinical testing. Allele origin: germline.
Comment: In summary, the available evidence is currently insufficient to determine the role of this variant in disease. Therefore, it has been classified as a Variant of Uncertain Significance. Advanced modeling of protein sequence and biophysical properties (such as structural, functional, and spatial information, amino acid conservation, physicochemical variation, residue mobility, and thermodynamic stability) performed at Invitae indicates that this missense variant is not expected to disrupt GRIN2A protein function. ClinVar contains an entry for this variant (Variation ID: 1450471). This variant has not been reported in the literature in individuals affected with GRIN2A-related conditions. This variant is not present in population databases (gnomAD no frequency). This sequence change replaces glutamic acid, which is acidic and polar, with lysine, which is basic and polar, at codon 1137 of the GRIN2A protein (p.Glu1137Lys).

NM_001134407.3(GRIN2A):c.3409G>A (p.Glu1137Lys)

Gene: GRIN2A (glutamate ionotropic receptor NMDA type subunit 2A; minus strand). Cytogenetic location: 16p13.2.
Variant type: single nucleotide variant.
Coding change: c.3409G>A on transcript NM_001134407.3 (MANE Select); coding-DNA position 3409, G replaced by A.
Protein change: p.Glu1137Lys; replaces glutamic acid 1137 with lysine.
Molecular consequence: missense variant.
Genome position (GRCh38, 1-based): chr16:9,764,135, C>T on the plus strand (G>A on the coding strand, the complement: GRIN2A is on the minus strand). VCF-style: chr16-9764135-C-T. GRCh37 (hg19) VCF-style: chr16-9857992-C-T.
Other names: c.3409G>A, p.Glu1137Lys (NM_000833.5, NM_001134408.2); c.3409G>A (NM_000833.3); short protein forms E1137K.
Identifiers: ClinVar variation 1450471 (VCV001450471.9), dbSNP rs1372666082, ClinGen allele CA394707929.